The following is an entry in ClinVar:

ClinVar aggregate classification (germline): Uncertain significance (1 of 4 stars; one submission).

Conditions:
Werner syndrome (WRN). Identifiers: Orphanet 902, MedGen C0043119, MONDO:0010196, OMIM 277700.

Submission:

Labcorp Genetics (formerly Invitae), Labcorp
Classification: Uncertain significance for Werner syndrome. Last evaluated: 2022-12-30. Review status: criteria provided, single submitter. Criteria: Invitae Variant Classification Sherloc (09022015). Collection method: clinical testing. Allele origin: germline.
Comment: In summary, the available evidence is currently insufficient to determine the role of this variant in disease. Therefore, it has been classified as a Variant of Uncertain Significance. Algorithms developed to predict the effect of missense changes on protein structure and function are either unavailable or do not agree on the potential impact of this missense change (SIFT: "Not Available"; PolyPhen-2: "Benign"; Align-GVGD: "Not Available"). This variant has not been reported in the literature in individuals affected with WRN-related conditions. This variant is not present in population databases (gnomAD no frequency). This sequence change replaces valine, which is neutral and non-polar, with leucine, which is neutral and non-polar, at codon 79 of the WRN protein (p.Val79Leu).

NM_000553.6(WRN):c.235G>C (p.Val79Leu)

Gene: WRN (WRN RecQ like helicase; plus strand). Cytogenetic location: 8p12.
Variant type: single nucleotide variant.
Coding change: c.235G>C on transcript NM_000553.6 (MANE Select); coding-DNA position 235, G replaced by C.
Protein change: p.Val79Leu; replaces valine 79 with leucine.
Molecular consequence: missense variant.
Genome position (GRCh38, 1-based): chr8:31,064,314, G>C. VCF-style: chr8-31064314-G-C. GRCh37 (hg19) VCF-style: chr8-30921830-G-C.
Other names: short protein forms V79L.
Identifiers: ClinVar variation 2824924 (VCV002824924.3), dbSNP rs2130032134, ClinGen allele CA370913914.